The following is an entry in ClinVar:

NM_005726.6(TSFM):c.551del (p.Asp184fs)

Gene: TSFM (Ts translation elongation factor, mitochondrial; plus strand). Cytogenetic location: 12q14.1.
Variant type: Deletion.
Coding change: c.551del on transcript NM_005726.6 (MANE Select); coding-DNA position 551, one base deleted (A; older notation c.551delA).
Protein change: p.Asp184fs; shifts the reading frame from aspartic acid 184.
Molecular consequence: frameshift variant. On other transcripts: intron variant (1).
Genome position (GRCh38, 1-based): chr12:57,793,053, A deleted. VCF-style (leftmost placement, unchanged base first): chr12-57793052-GA-G. GRCh37 (hg19) VCF-style: chr12-58186835-GA-G.
Other names: c.614delA (NM_001172696.1); c.614del, p.Asp205fs (NM_001172696.2); c.551del, p.Asp184fs (NM_001172697.2); c.484-3124del (NM_001172695.2); short protein forms D184fs, D205fs.
Identifiers: ClinVar variation 2445917 (VCV002445917.6), dbSNP rs779144962, ClinGen allele CA6659392.

ClinVar aggregate classification (germline): Pathogenic/Likely pathogenic. Review status: criteria provided, multiple submitters, no conflicts (2 of 4 stars). 3 submissions from 3 submitters: Pathogenic (1); Likely pathogenic (2). Last evaluated 2024-03-10.

Conditions:
Fatal mitochondrial disease due to combined oxidative phosphorylation defect type 3. Also called: Combined oxidative phosphorylation deficiency 3; ENCEPHALOMYOPATHY, RESPIRATORY FAILURE, AND LACTIC ACIDOSIS. Identifiers: Orphanet 168566, MedGen C1864840, MONDO:0012512, OMIM 610505.

Allele frequency attached by ClinVar (database versions not stated): gnomAD exomes 0.00001; ExAC 0.00002.

Submissions (3):

Fulgent Genetics
Classification: Likely pathogenic for Fatal mitochondrial disease due to combined oxidative phosphorylation defect type 3. Last evaluated: 2024-03-10. Review status: criteria provided, single submitter. Criteria: ACMG Guidelines, 2015. Collection method: clinical testing. Allele origin: germline.

Labcorp Genetics (formerly Invitae), Labcorp
Classification: Pathogenic. Last evaluated: 2023-11-13. Review status: criteria provided, single submitter. Criteria: Invitae Variant Classification Sherloc (09022015). Collection method: clinical testing. Allele origin: germline.
Comment: This sequence change creates a premature translational stop signal (p.Asp205Valfs*5) in the TSFM gene. While this is not anticipated to result in nonsense mediated decay, it is expected to disrupt the last 142 amino acid(s) of the TSFM protein. This variant is present in population databases (rs779144962, gnomAD 0.002%). This variant has not been reported in the literature in individuals affected with TSFM-related conditions. ClinVar contains an entry for this variant (Variation ID: 2445917). Algorithms developed to predict the effect of sequence changes on RNA splicing suggest that this variant may disrupt the consensus splice site. This variant disrupts a region of the TSFM protein in which other variant(s) (p.Arg333Trp) have been determined to be pathogenic (PMID: 17033963, 21741925, 22277967). This suggests that this is a clinically significant region of the protein, and that variants that disrupt it are likely to be disease-causing. For these reasons, this variant has been classified as Pathogenic.

Women's Health and Genetics/Laboratory Corporation of America, LabCorp
Classification: Likely pathogenic for Fatal mitochondrial disease due to combined oxidative phosphorylation defect type 3. Last evaluated: 2023-02-20. Review status: criteria provided, single submitter. Criteria: LabCorp Variant Classification Summary - May 2015. Collection method: clinical testing. Allele origin: germline.
Comment: Variant summary: TSFM c.614delA (p.Asp205ValfsX5) results in a premature termination codon, predicted to cause a truncation of the encoded protein or absence of the protein due to nonsense mediated decay, which are commonly known mechanisms for disease. Truncations downstream of this position have been classified as pathogenic by our laboratory. The variant allele was found at a frequency of 8e-06 in 251016 control chromosomes. To our knowledge, no occurrence of c.614delA in individuals affected with Combined Oxidative Phosphorylation Deficiency 3 and no experimental evidence demonstrating its impact on protein function have been reported. No clinical diagnostic laboratories have submitted clinical-significance assessments for this variant to ClinVar after 2014. Based on the evidence outlined above, the variant was classified as likely pathogenic.

Literature cited by the submitters: PubMed 17033963 (cited by Labcorp Genetics (formerly Invitae), Labcorp); PubMed 21741925 (cited by Labcorp Genetics (formerly Invitae), Labcorp); PubMed 22277967 (cited by Labcorp Genetics (formerly Invitae), Labcorp).